The following is an entry in ClinVar:

NM_000179.3(MSH6):c.-46T>G

Genes: MSH6 (mutS homolog 6; plus strand), LOC129933706 (ATAC-STARR-seq lymphoblastoid silent region 11467; plus strand). Cytogenetic location: 2p16.3.
Variant type: single nucleotide variant.
Coding change: c.-46T>G on transcript NM_000179.3 (MANE Select); 46 bases upstream of the start codon, T replaced by G.
Molecular consequence: 5 prime UTR variant.
Genome position (GRCh38, 1-based): chr2:47,783,188, T>G. VCF-style: chr2-47783188-T-G. GRCh37 (hg19) VCF-style: chr2-48010327-T-G.
Other names: c.-46T>G (NM_001281492.2); c.-782T>G (NM_001281493.2).
Identifiers: ClinVar variation 385317 (VCV000385317.2), dbSNP rs748339592, ClinGen allele CA073029.
Genomic context (GRCh38, chr2:47,783,188, plus strand): 5'-GGAGCGCGCCTCCCCCCAGATTTCCCGCCAGCAGGAGCCGCGCGGTAGATGCGGTGCTTT[T>G]AGGAGCTCCGTCCGACAGAACGGTTGGGCCTTGCCGGCTGTCGGTATGTCGCGACAGAGC-3'

ClinVar aggregate classification (germline): Likely benign. Review status: criteria provided, multiple submitters, no conflicts (2 of 4 stars). 2 submissions from 2 submitters: Likely benign (2). Last evaluated 2019-05-28.

Conditions:
Lynch syndrome 5 (LYNCH5). Also called: Colorectal cancer, hereditary nonpolyposis, type 5; Hereditary non-polyposis colorectal cancer, type 5. Identifiers: Orphanet 144, MedGen C1833477, MONDO:0013710, OMIM 614350. Disease mechanism: loss of function.

gnomAD v4.1: 11 of 1,607,792 alleles (0.00068%); highest among the groups gnomAD compares: South Asian, 0.012%; no homozygotes.

Submissions (2):

Mendelics
Classification: Likely benign for Lynch syndrome 5. Last evaluated: 2019-05-28. Review status: criteria provided, single submitter. Criteria: Mendelics Assertion Criteria 2017. Collection method: clinical testing. Allele origin: unknown.

GeneDx
Classification: Likely benign. Last evaluated: 2016-04-07. Review status: criteria provided, single submitter. Criteria: GeneDx Variant Classification (06012015). Collection method: clinical testing. Allele origin: germline. Affected: yes.
Comment: This variant is considered likely benign or benign based on one or more of the following criteria: it is a conservative change, it occurs at a poorly conserved position in the protein, it is predicted to be benign by multiple in silico algorithms, and/or has population frequency not consistent with disease.